The following is an entry in ClinVar:

NM_005215.4(DCC):c.643C>T (p.Arg215Ter)

Gene: DCC (DCC netrin 1 receptor; plus strand). Cytogenetic location: 18q21.2.
Variant type: single nucleotide variant.
Coding change: c.643C>T on transcript NM_005215.4 (MANE Select); coding-DNA position 643, C replaced by T.
Protein change: p.Arg215Ter; replaces arginine 215 with a stop codon.
Molecular consequence: nonsense.
Genome position (GRCh38, 1-based): chr18:52,906,274, C>T. VCF-style: chr18-52906274-C-T. GRCh37 (hg19) VCF-style: chr18-50432644-C-T.
Other names: short protein forms R215*.
Identifiers: ClinVar variation 985551 (VCV000985551.4), dbSNP rs1180126622, ClinGen allele CA402513947.

ClinVar aggregate classification (germline): Pathogenic (1 of 4 stars; one submission).

Conditions:
Inborn genetic diseases. Identifiers: MedGen C0950123, MeSH D030342.

Submission:

Ambry Genetics
Classification: Pathogenic for Inborn genetic diseases. Last evaluated: 2020-02-03. Review status: criteria provided, single submitter. Criteria: Ambry Variant Classification Scheme 2023. Collection method: clinical testing. Allele origin: germline.
Comment: The alteration results in a premature stop codon: _x000D_ _x000D_ The c.643C>T (p.R215*) alteration, located in coding exon 3 of the DCC gene, results from a C to T substitution at nucleotide position 643. This changes the amino acid from a arginine (R) to a stop codon at amino acid position 215. This alteration is expected to result in loss of function by premature protein truncation or nonsense-mediated mRNA decay. The alteration is not observed in population databases: _x000D_ _x000D_ Based on data from the Genome Aggregation Database (gnomAD), the DCC c.643C>T alteration was not observed, with coverage at this position. Based on the available evidence, this alteration is classified as pathogenic.

Literature cited by the submitters: PubMed 28250454.